The following is an entry in ClinVar:

NM_004364.5(CEBPA):c.764G>A (p.Gly255Glu)

Gene: CEBPA (CCAAT enhancer binding protein alpha; minus strand). Cytogenetic location: 19q13.11.
Variant type: single nucleotide variant.
Coding change: c.764G>A on transcript NM_004364.5 (MANE Select); coding-DNA position 764, G replaced by A.
Protein change: p.Gly255Glu; replaces glycine 255 with glutamic acid.
Molecular consequence: missense variant.
Genome position (GRCh38, 1-based): chr19:33,301,651, C>T on the plus strand (G>A on the coding strand, the complement: CEBPA is on the minus strand). VCF-style: chr19-33301651-C-T. GRCh37 (hg19) VCF-style: chr19-33792557-C-T.
Other names: c.407G>A, p.Gly136Glu (NM_001285829.2); c.869G>A, p.Gly290Glu (NM_001287424.2); c.722G>A, p.Gly241Glu (NM_001287435.2); short protein forms G136E, G241E, G290E, G255E.
Identifiers: ClinVar variation 1350375 (VCV001350375.8), dbSNP rs2145260264, ClinGen allele CA405274261.
Genomic context (GRCh38, chr19:33,301,651, plus strand): 5'-TTGGCCTTGCCCGCGCCGCTGCCGCCACTCGCGCGGAGGTCGGGGTGCGCGGCGCCCAGC[C>T]CCTTGAGCGCGCTGCCAGGGCCCGGCAGGCCGGCGGCACCGAGCGCGGGCGCGGGGTGCG-3'
Protein context (NP_004355.2, residues 245-265): GLPGPGSALK[Gly255Glu]LGAAHPDLRA

ClinVar aggregate classification (germline): Uncertain significance (1 of 4 stars; one submission).

Conditions:
Acute myeloid leukemia (AML). Also called: Leukemia, acute myeloid, somatic; Leukemia, acute myelogenous, somatic; Acute myeloid leukemia, adult; AML adult; Acute non-lymphocytic leukemia; Acute granulocytic leukemia. Identifiers: Orphanet 519, MedGen C0023467, MeSH D015470, MONDO:0018874, OMIM 601626, HP:0004808. Disease mechanism: Constitutively activated FLT3.

Allele frequency attached by ClinVar (database versions not stated): gnomAD 0.00001.
gnomAD v4.1: 1 of 1,505,292 alleles (0.000066%); highest among the groups gnomAD compares: East Asian, 0.0027%; no homozygotes.

Submission:

Labcorp Genetics (formerly Invitae), Labcorp
Classification: Uncertain significance for Acute myeloid leukemia. Last evaluated: 2022-12-26. Review status: criteria provided, single submitter. Criteria: Invitae Variant Classification Sherloc (09022015). Collection method: clinical testing. Allele origin: germline.
Comment: In summary, the available evidence is currently insufficient to determine the role of this variant in disease. Therefore, it has been classified as a Variant of Uncertain Significance. Algorithms developed to predict the effect of missense changes on protein structure and function (SIFT, PolyPhen-2, Align-GVGD) all suggest that this variant is likely to be tolerated. ClinVar contains an entry for this variant (Variation ID: 1350375). This variant has not been reported in the literature in individuals affected with CEBPA-related conditions. This variant is not present in population databases (gnomAD no frequency). This sequence change replaces glycine, which is neutral and non-polar, with glutamic acid, which is acidic and polar, at codon 255 of the CEBPA protein (p.Gly255Glu).